The following is an entry in ClinVar:

ClinVar aggregate classification (germline): Uncertain significance (1 of 4 stars; one submission).

Allele frequency attached by ClinVar (database versions not stated): gnomAD exomes below 0.00001.
gnomAD v4.1: 2 of 1,614,216 alleles (0.00012%); highest among the groups gnomAD compares: African/African-American, 0.0013%; no homozygotes.

Submission:

Ambry Genetics
Classification: Uncertain significance. Last evaluated: 2021-12-24. Review status: criteria provided, single submitter. Criteria: Ambry Variant Classification Scheme 2023. Collection method: clinical testing. Allele origin: germline.
Comment: The p.E1523K variant (also known as c.4567G>A), located in coding exon 4 of the ALPK2 gene, results from a G to A substitution at nucleotide position 4567. The glutamic acid at codon 1523 is replaced by lysine, an amino acid with similar properties. This amino acid position is conserved. In addition, this alteration is predicted to be tolerated by in silico analysis. Since supporting evidence is limited at this time, the clinical significance of this alteration remains unclear.

NM_052947.4(ALPK2):c.4567G>A (p.Glu1523Lys)

Genes: ALPK2 (alpha kinase 2; minus strand), LOC126862764 (BRD4-independent group 4 enhancer GRCh37_chr18:56202574-56203773; plus strand). Cytogenetic location: 18q21.31.
Variant type: single nucleotide variant.
Coding change: c.4567G>A on transcript NM_052947.4 (MANE Select); coding-DNA position 4567, G replaced by A.
Protein change: p.Glu1523Lys; replaces glutamic acid 1523 with lysine.
Molecular consequence: missense variant.
Genome position (GRCh38, 1-based): chr18:58,535,620, C>T on the plus strand (G>A on the coding strand, the complement: ALPK2 is on the minus strand). VCF-style: chr18-58535620-C-T. GRCh37 (hg19) VCF-style: chr18-56202852-C-T.
Other names: short protein forms E1523K.
Identifiers: ClinVar variation 1741519 (VCV001741519.2), dbSNP rs1488866949, ClinGen allele CA402561353.